The following is an entry in ClinVar:

ClinVar aggregate classification (germline): Uncertain significance (1 of 4 stars; one submission).

Conditions:
Joubert syndrome. Also called: CEREBELLOPARENCHYMAL DISORDER IV; JOUBERT-BOLTSHAUSER SYNDROME; Familial aplasia of the vermis. Identifiers: Orphanet 475, MedGen C5979921, MONDO:0018772.

Submission:

Labcorp Genetics (formerly Invitae), Labcorp
Classification: Uncertain significance for Joubert syndrome. Last evaluated: 2025-10-23. Review status: criteria provided, single submitter. Criteria: Invitae Variant Classification Sherloc (09022015). Collection method: clinical testing. Allele origin: germline.
Comment: This sequence change affects codon 11 of the TMEM216 mRNA. It is a 'silent' change, meaning that it does not change the encoded amino acid sequence of the TMEM216 protein. It affects a nucleotide within the consensus splice site. This variant is not present in population databases (gnomAD no frequency). This variant has not been reported in the literature in individuals affected with TMEM216-related conditions. Algorithms developed to predict the effect of sequence changes on RNA splicing suggest that this variant may disrupt the consensus splice site. In summary, the available evidence is currently insufficient to determine the role of this variant in disease. Therefore, it has been classified as a Variant of Uncertain Significance.

NM_001173990.3(TMEM216):c.33A>T (p.Arg11=)

Gene: TMEM216 (transmembrane protein 216; plus strand). Cytogenetic location: 11q12.2.
Variant type: single nucleotide variant.
Coding change: c.33A>T on transcript NM_001173990.3 (MANE Select); coding-DNA position 33, A replaced by T.
Protein change: p.Arg11=; no amino-acid change (arginine 11 retained).
Molecular consequence: synonymous variant. On other transcripts: 5 prime UTR variant (2).
Genome position (GRCh38, 1-based): chr11:61,392,664, A>T. VCF-style: chr11-61392664-A-T. GRCh37 (hg19) VCF-style: chr11-61160136-A-T.
Other names: c.33A>T, p.Arg11= (NM_001173991.3); c.-165A>T (NM_001330285.2, NM_016499.6).
Identifiers: ClinVar variation 4725272 (VCV004725272.1).